The following is an entry in ClinVar:

NM_007259.5(VPS45):c.1427A>G (p.His476Arg)

Gene: VPS45 (vacuolar protein sorting 45 homolog; plus strand). Cytogenetic location: 1q21.2.
Variant type: single nucleotide variant.
Coding change: c.1427A>G on transcript NM_007259.5 (MANE Select); coding-DNA position 1427, A replaced by G.
Protein change: p.His476Arg; replaces histidine 476 with arginine.
Molecular consequence: missense variant. On other transcripts: non-coding transcript variant (1).
Genome position (GRCh38, 1-based): chr1:150,093,582, A>G. VCF-style: chr1-150093582-A-G. GRCh37 (hg19) VCF-style: chr1-150065678-A-G.
Other names: c.1112A>G, p.His371Arg (NM_001279353.2); c.1319A>G, p.His440Arg (NM_001279354.2); short protein forms H371R, H440R, H476R.
Identifiers: ClinVar variation 1801861 (VCV001801861.1), dbSNP rs782686298, ClinGen allele CA1073405.
Genomic context (GRCh38, chr1:150,093,582, plus strand): 5'-TTTAGGGAGTAGAAAATGTATATACACAGCATCAACCTTTCCTACATGAAACCCTGGATC[A>G]TCTCATCAAAGGAAGGCTTAAGGAAAACCTATATCCTTATTTAGGCCCCAGCACACTCAG-3'
Protein context (NP_009190.2, residues 466-486): HQPFLHETLD[His476Arg]LIKGRLKENL

ClinVar aggregate classification (germline): Uncertain significance (1 of 4 stars; one submission).

Allele frequency attached by ClinVar (database versions not stated): gnomAD exomes below 0.00001; ExAC 0.00001.
gnomAD v4.1: 2 of 1,614,016 alleles (0.00012%); highest among the groups gnomAD compares: South Asian, 0.0011%; no homozygotes.

Submission:

GeneDx
Classification: Uncertain significance. Last evaluated: 2022-06-02. Review status: criteria provided, single submitter. Criteria: GeneDx Variant Classification Process June 2021. Collection method: clinical testing. Allele origin: germline. Affected: yes.
Comment: Not observed at significant frequency in large population cohorts (gnomAD); In silico analysis supports that this missense variant does not alter protein structure/function; Has not been previously published as pathogenic or benign to our knowledge